The following is an entry in ClinVar:

NM_173551.5(ANKS6):c.2105C>T (p.Pro702Leu)

Gene: ANKS6 (ankyrin repeat and sterile alpha motif domain containing 6; minus strand). Cytogenetic location: 9q22.33.
Variant type: single nucleotide variant.
Coding change: c.2105C>T on transcript NM_173551.5 (MANE Select); coding-DNA position 2105, C replaced by T.
Protein change: p.Pro702Leu; replaces proline 702 with leucine.
Molecular consequence: missense variant.
Genome position (GRCh38, 1-based): chr9:98,768,118, G>A on the plus strand (C>T on the coding strand, the complement: ANKS6 is on the minus strand). VCF-style: chr9-98768118-G-A. GRCh37 (hg19) VCF-style: chr9-101530400-G-A.
Other names: short protein forms P702L.
Identifiers: ClinVar variation 567567 (VCV000567567.8), dbSNP rs760387934, ClinGen allele CA5153262.

ClinVar aggregate classification (germline): Uncertain significance. Review status: criteria provided, multiple submitters, no conflicts (2 of 4 stars). 2 submissions from 2 submitters: Uncertain significance (2). Last evaluated 2022-05-12.

Conditions:
Nephronophthisis 16 (NPHP16). Identifiers: Orphanet 655, MedGen C3809320, MONDO:0014158, OMIM 615382.

Allele frequency attached by ClinVar (database versions not stated): gnomAD exomes 0.00001 and 0.00002; TOPMed 0.00001; ExAC 0.00002.
gnomAD v4.1: 7 of 1,612,648 alleles (0.00043%); highest among the groups gnomAD compares: Admixed American, 0.01%; no homozygotes.

Submissions (2):

Fulgent Genetics
Classification: Uncertain significance for Nephronophthisis 16. Last evaluated: 2022-05-12. Review status: criteria provided, single submitter. Criteria: ACMG Guidelines, 2015. Collection method: clinical testing. Allele origin: unknown.

Labcorp Genetics (formerly Invitae), Labcorp
Classification: Uncertain significance for Nephronophthisis 16. Last evaluated: 2018-01-25. Review status: criteria provided, single submitter. Criteria: Invitae Variant Classification Sherloc (09022015). Collection method: clinical testing. Allele origin: germline.
Comment: In summary, the available evidence is currently insufficient to determine the role of this variant in disease. Therefore, it has been classified as a Variant of Uncertain Significance. Algorithms developed to predict the effect of missense changes on protein structure and function output the following: SIFT: "Tolerated"; PolyPhen-2: "Benign"; Align-GVGD: "Class C0". The leucine amino acid residue is found in multiple mammalian species, suggesting that this missense change does not adversely affect protein function. These predictions have not been confirmed by published functional studies and their clinical significance is uncertain. This variant has not been reported in the literature in individuals with ANKS6-related disease. This variant is present in population databases (rs760387934, ExAC 0.02%). This sequence change replaces proline with leucine at codon 702 of the ANKS6 protein (p.Pro702Leu). The proline residue is moderately conserved and there is a moderate physicochemical difference between proline and leucine.